The following is an entry in ClinVar:

NM_001244008.2(KIF1A):c.788C>T (p.Thr263Met)

Gene: KIF1A (kinesin family member 1A; minus strand). Cytogenetic location: 2q37.3.
Variant type: single nucleotide variant.
Coding change: c.788C>T on transcript NM_001244008.2 (MANE Select); coding-DNA position 788, C replaced by T.
Protein change: p.Thr263Met; replaces threonine 263 with methionine.
Molecular consequence: missense variant.
Genome position (GRCh38, 1-based): chr2:240,783,749, G>A on the plus strand (C>T on the coding strand, the complement: KIF1A is on the minus strand). VCF-style: chr2-240783749-G-A. GRCh37 (hg19) VCF-style: chr2-241723166-G-A.
Other names: c.788C>T, p.Thr263Met (NM_001320705.2, NM_001330289.2, NM_001330290.2 and 20 more transcripts); short protein forms T263M.
Identifiers: ClinVar variation 1484565 (VCV001484565.8), dbSNP rs868837727, ClinGen allele CA68138576.

ClinVar aggregate classification (germline): Uncertain significance (1 of 4 stars; one submission).

Conditions:
Hereditary spastic paraplegia 30. Identifiers: Orphanet 101010, MedGen C5235139, MONDO:0012476.
Neuropathy, hereditary sensory, type 2C. Also called: KIF1A-Related HSAN2 (HSAN2C); Hereditary sensory and autonomic neuropathy type IIC. Identifiers: Orphanet 970, MedGen C3280168, MONDO:0013634, OMIM 614213.
Intellectual disability, autosomal dominant 9 (NESCAVS). Also called: KIF1A-Related Neurodevelopmental Disorder; NESCAV SYNDROME. Identifiers: Orphanet 662367, MedGen C5393830, MONDO:0013656, OMIM 614255.

Allele frequency attached by ClinVar (database versions not stated): gnomAD 0.00001; TOPMed 0.00001.
gnomAD v4.1: 13 of 1,575,074 alleles (0.00083%); highest among the groups gnomAD compares: Non-Finnish European, 0.00095%; no homozygotes.

Submission:

Labcorp Genetics (formerly Invitae), Labcorp
Classification: Uncertain significance for Hereditary spastic paraplegia 30; Neuropathy, hereditary sensory, type 2C; Intellectual disability, autosomal dominant 9. Last evaluated: 2025-10-05. Review status: criteria provided, single submitter. Criteria: Invitae Variant Classification Sherloc (09022015). Collection method: clinical testing. Allele origin: germline.
Comment: This sequence change replaces threonine, which is neutral and polar, with methionine, which is neutral and non-polar, at codon 263 of the KIF1A protein (p.Thr263Met). This variant is not present in population databases (gnomAD no frequency). This variant has not been reported in the literature in individuals affected with KIF1A-related conditions. ClinVar contains an entry for this variant (Variation ID: 1484565). Invitae Evidence Modeling of protein sequence and biophysical properties (such as structural, functional, and spatial information, amino acid conservation, physicochemical variation, residue mobility, and thermodynamic stability) indicates that this missense variant is expected to disrupt KIF1A protein function with a positive predictive value of 95%. In summary, the available evidence is currently insufficient to determine the role of this variant in disease. Therefore, it has been classified as a Variant of Uncertain Significance.